The following is an entry in ClinVar:

ClinVar aggregate classification (germline): Conflicting classifications of pathogenicity. Review status: criteria provided, conflicting classifications (1 of 4 stars). 4 submissions from 4 submitters: Uncertain significance (3); Likely benign (1). Last evaluated 2025-03-23.

Conditions:
TTN-related disorder. Also called: TTN-related condition; TTN-related disease; TTN-related disorders.
Dilated cardiomyopathy 1G (CMD1G). Identifiers: Orphanet 154, MedGen C1858763, MONDO:0011400, OMIM 604145.

Allele frequency attached by ClinVar (database versions not stated): gnomAD exomes 0.00001 and 0.00002; ExAC 0.00003.
gnomAD v4.1: 11 of 1,613,612 alleles (0.00068%); highest among the groups gnomAD compares: Admixed American, 0.0067%; no homozygotes.

Submissions (4):

PreventionGenetics, part of Exact Sciences
Classification: Uncertain significance for TTN-related condition. Last evaluated: 2025-03-23. Review status: criteria provided, single submitter. Criteria: ACMG Guidelines, 2015. Collection method: clinical testing. Allele origin: germline.
Comment: The TTN c.4639G>A variant is predicted to result in the amino acid substitution p.Val1547Met. To our knowledge, this variant has not been reported in the literature. This variant is reported in 0.0087% of alleles in individuals of Latino descent in gnomAD. An alternate nucleotide substitution (c.4639G>T, p.Val1547Leu) has been reported in a cohort study of individuals with dilated cardiomyopathy (Suppl. Table 3, Mazzarotto et al. 2020. PubMed ID: 31983221). At this time, the clinical significance of this variant is uncertain due to the absence of conclusive functional and genetic evidence.

KardioGenetik, Herz- und Diabeteszentrum NRW
Classification: Uncertain significance for Dilated cardiomyopathy 1G. Last evaluated: 2024-01-29. Review status: criteria provided, single submitter. Criteria: ACMG Guidelines, 2015. Collection method: clinical testing. Allele origin: unknown. Observed: 1 variant allele.

Revvity Omics, Revvity
Classification: Uncertain significance. Last evaluated: 2024-01-16. Review status: criteria provided, single submitter. Criteria: ACMG Guidelines, 2015. Collection method: clinical testing. Allele origin: germline.

GeneDx
Classification: Likely benign. Last evaluated: 2021-01-21. Review status: criteria provided, single submitter. Criteria: GeneDx Variant Classification Process June 2021. Collection method: clinical testing. Allele origin: germline. Affected: yes.

NM_001267550.2(TTN):c.4639G>A (p.Val1547Met)

Genes: TTN (titin; minus strand), LOC101927055 (uncharacterized LOC101927055; plus strand). Cytogenetic location: 2q31.2.
Variant type: single nucleotide variant.
Coding change: c.4639G>A on transcript NM_001267550.2 (MANE Select); coding-DNA position 4639, G replaced by A.
Protein change: p.Val1547Met; replaces valine 1547 with methionine.
Molecular consequence: missense variant. On other transcripts: non-coding transcript variant (1).
Genome position (GRCh38, 1-based): chr2:178,777,426, C>T on the plus strand (G>A on the coding strand, the complement: TTN is on the minus strand). VCF-style: chr2-178777426-C-T. GRCh37 (hg19) VCF-style: chr2-179642153-C-T.
Other names: c.4639G>A, p.Val1547Met (NM_001256850.1, NM_133378.4, NM_133379.5); c.4501G>A, p.Val1501Met (NM_003319.4, NM_133432.3, NM_133437.4); short protein forms V1501M, V1547M.
Identifiers: ClinVar variation 1218352 (VCV001218352.6), dbSNP rs750678272, ClinGen allele CA2005302.